The following is an entry in ClinVar:

NM_000334.4(SCN4A):c.1570A>G (p.Ser524Gly)

Gene: SCN4A (sodium voltage-gated channel alpha subunit 4; minus strand). Cytogenetic location: 17q23.3.
Variant type: single nucleotide variant.
Coding change: c.1570A>G on transcript NM_000334.4 (MANE Select); coding-DNA position 1570, A replaced by G.
Protein change: p.Ser524Gly; replaces serine 524 with glycine.
Molecular consequence: missense variant.
Genome position (GRCh38, 1-based): chr17:63,963,708, T>C on the plus strand (A>G on the coding strand, the complement: SCN4A is on the minus strand). VCF-style: chr17-63963708-T-C. GRCh37 (hg19) VCF-style: chr17-62041068-T-C.
Other names: short protein forms S524G.
Identifiers: ClinVar variation 130228 (VCV000130228.30), dbSNP rs6504191, ClinGen allele CA155067.

ClinVar aggregate classification (germline): Benign/Likely benign. Review status: criteria provided, multiple submitters, no conflicts (2 of 4 stars). 17 submissions from 13 submitters: Benign (13); Likely benign (1). 3 of the submissions do not count toward it. Last evaluated 2026-02-04.

Conditions:
Congenital myasthenic syndrome 16. Identifiers: Orphanet 590, MedGen C3280112, MONDO:0013620, OMIM 614198.
Paramyotonia congenita of Von Eulenburg. Also called: PARALYSIS PERIODICA PARAMYOTONICA; Eulenburg disease; Myotonia congenita intermittens; Von Eulenburg paramyotonia congenita; Paramyotonia Congenita. Identifiers: Orphanet 684, MedGen C0221055, MONDO:0008195, OMIM 168300. Disease mechanism: loss of function.
Hypokalemic periodic paralysis, type 2 (HOKPP2). Identifiers: Orphanet 681, MedGen C2750061, MONDO:0013234, OMIM 613345.
Hyperkalemic periodic paralysis. Also called: Familial hyperkalemic periodic paralysis; Gamstorp disease. Identifiers: Orphanet 682, MedGen C0238357, MONDO:0008224, OMIM 170500, HP:0007215.
Potassium-aggravated myotonia. Also called: MYOTONIA CONGENITA, ACETAZOLAMIDE-RESPONSIVE; MYOTONIA CONGENITA, ATYPICAL; SODIUM CHANNEL MUSCLE DISEASE; Myotonia congenita, atypical, acetazolamide-responsive. Identifiers: Orphanet 612, Orphanet 99734, Orphanet 99735, Orphanet 99736, MedGen C2931826, MONDO:0018959, OMIM 608390.

Allele frequency attached by ClinVar (database versions not stated): TOPMed 0.92149; gnomAD exomes 0.93051 and 0.91946; 1000 Genomes Project 0.94429; ESP Exome Variant Server 0.91537; gnomAD 0.91769 and 0.91477; ExAC 0.92884; 1000 Genomes Project 30x 0.94207.
gnomAD v4.1: 1,468,221 of 1,596,468 alleles (92%); highest among the groups gnomAD compares: East Asian, 100%; 675,812 homozygotes.

Submissions (17):

Labcorp Genetics (formerly Invitae), Labcorp
Classification: Benign for Hyperkalemic periodic paralysis. Last evaluated: 2026-02-04. Review status: criteria provided, single submitter. Criteria: Invitae Variant Classification Sherloc (09022015). Collection method: clinical testing. Allele origin: germline.

Blueprint Genetics
Classification: Likely benign. Last evaluated: 2024-11-28. Review status: criteria provided, single submitter. Criteria: ACMG Guidelines, 2015. Collection method: clinical testing. Allele origin: germline.

Athena Diagnostics
Classification: Benign. Last evaluated: 2021-03-09. Review status: criteria provided, single submitter. Criteria: Athena Diagnostics Criteria. Collection method: clinical testing. Allele origin: unknown.

Illumina Laboratory Services, Illumina
Classification: Benign for Hypokalemic periodic paralysis, type 2. Last evaluated: 2018-01-12. Review status: criteria provided, single submitter. Criteria: ICSL Variant Classification Criteria 13 December 2019. Collection method: clinical testing. Allele origin: germline.
Comment: This variant was observed in the ICSL laboratory as part of a predisposition screen in an ostensibly healthy population. It had not been previously curated by ICSL or reported in the Human Gene Mutation Database (HGMD: prior to June 1st, 2018), and was therefore a candidate for classification through an automated scoring system. Utilizing variant allele frequency, disease prevalence and penetrance estimates, and inheritance mode, an automated score was calculated to assess if this variant is too frequent to cause the disease. Based on the score and internal cut-off values, a variant classified as benign is not then subjected to further curation. The score for this variant resulted in a classification of benign for this disease.

Illumina Laboratory Services, Illumina
Classification: Benign for Congenital myasthenic syndrome 16. Last evaluated: 2018-01-12. Review status: criteria provided, single submitter. Criteria: ICSL Variant Classification Criteria 13 December 2019. Collection method: clinical testing. Allele origin: germline.
Comment: the same text as in the submission from Illumina Laboratory Services, Illumina above.

Illumina Laboratory Services, Illumina
Classification: Benign for Potassium-aggravated myotonia. Last evaluated: 2018-01-12. Review status: criteria provided, single submitter. Criteria: ICSL Variant Classification Criteria 13 December 2019. Collection method: clinical testing. Allele origin: germline.
Comment: the same text as in the submission from Illumina Laboratory Services, Illumina above.

Illumina Laboratory Services, Illumina
Classification: Benign for Hyperkalemic periodic paralysis. Last evaluated: 2018-01-12. Review status: criteria provided, single submitter. Criteria: ICSL Variant Classification Criteria 13 December 2019. Collection method: clinical testing. Allele origin: germline.
Comment: the same text as in the submission from Illumina Laboratory Services, Illumina above.

Illumina Laboratory Services, Illumina
Classification: Benign for Paramyotonia congenita of Von Eulenburg. Last evaluated: 2018-01-12. Review status: criteria provided, single submitter. Criteria: ICSL Variant Classification Criteria 13 December 2019. Collection method: clinical testing. Allele origin: germline.
Comment: the same text as in the submission from Illumina Laboratory Services, Illumina above.

Mayo Clinic Laboratories, Mayo Clinic
Classification: Benign. Last evaluated: 2017-07-18. Review status: criteria provided, single submitter. Criteria: ACMG Guidelines, 2015. Collection method: clinical testing. Allele origin: germline. Observed: 953 variant alleles.

GeneDx
Classification: Benign. Last evaluated: 2016-01-05. Review status: criteria provided, single submitter. Criteria: GeneDx Variant Classification (06012015). Collection method: clinical testing. Allele origin: germline. Affected: yes.
Comment: This variant is considered likely benign or benign based on one or more of the following criteria: it is a conservative change, it occurs at a poorly conserved position in the protein, it is predicted to be benign by multiple in silico algorithms, and/or has population frequency not consistent with disease.

Eurofins Ntd Llc (ga)
Classification: Benign. Last evaluated: 2014-04-02. Review status: criteria provided, single submitter. Criteria: EGL Classification Definitions 2015. Collection method: clinical testing. Allele origin: germline. Observed: 1 variant allele, 1 homozygote.

Genetic Services Laboratory, University of Chicago
Classification: Benign for AllHighlyPenetrant. Last evaluated: 2013-08-15. Review status: criteria provided, single submitter. Criteria: ACMG Guidelines, 2007. Collection method: clinical testing. Allele origin: germline. Inheritance: Autosomal recessive inheritance.

Breakthrough Genomics
Classification: Benign. Review status: criteria provided, single submitter. Criteria: ACMG Guidelines, 2015. Collection method: not provided. Allele origin: germline. Inheritance: Autosomal recessive inheritance. Affected: yes.

PreventionGenetics, part of Exact Sciences
Classification: Benign. Review status: criteria provided, single submitter. Criteria: ACMG Guidelines, 2015. Collection method: clinical testing. Allele origin: germline.

Diagnostic Laboratory, Department of Genetics, University Medical Center Groningen
Classification: Benign. Review status: no assertion criteria provided. Collection method: clinical testing. Allele origin: germline. Affected: yes. Study: VKGL Data-share Consensus. Not counted in ClinVar's aggregate classification.

Genome Diagnostics Laboratory, University Medical Center Utrecht
Classification: Benign. Review status: no assertion criteria provided. Collection method: clinical testing. Allele origin: germline. Affected: yes. Study: VKGL Data-share Consensus. Not counted in ClinVar's aggregate classification.

Joint Genome Diagnostic Labs from Nijmegen and Maastricht, Radboudumc and MUMC+
Classification: Benign. Review status: no assertion criteria provided. Collection method: clinical testing. Allele origin: germline. Affected: yes. Study: VKGL Data-share Consensus. Not counted in ClinVar's aggregate classification.